The following is an entry in ClinVar:

ClinVar aggregate classification (germline): Likely benign. Review status: criteria provided, single submitter (1 of 4 stars). 2 submissions from 2 submitters: Likely benign (1). 1 of the submissions does not count toward it. Last evaluated 2024-08-29.

Conditions:
ARID1B-Related Disorder. Identifiers: MedGen CN381337.

Submissions (2):

Blueprint Genetics
Classification: Likely benign. Last evaluated: 2024-08-29. Review status: criteria provided, single submitter. Criteria: ACMG Guidelines, 2015. Collection method: clinical testing. Allele origin: germline.

PreventionGenetics, part of Exact Sciences
Classification: Likely benign for ARID1B-related condition. Last evaluated: 2024-07-03. Review status: no assertion criteria provided. Collection method: clinical testing. Allele origin: germline. Not counted in ClinVar's aggregate classification.
Comment: This variant is classified as likely benign based on ACMG/AMP sequence variant interpretation guidelines (Richards et al. 2015 PMID: 25741868, with internal and published modifications).

NM_001374828.1(ARID1B):c.1585CCG[4] (p.Pro533del)

Gene: ARID1B (AT-rich interaction domain 1B; plus strand). Cytogenetic location: 6q25.3.
Variant type: Microsatellite.
Coding change: c.1585CCG[4] on transcript NM_001374828.1 (MANE Select); four copies in a row of the 3-base unit CCG starting at c.1585; the reference has five copies in a row; one copy, 3 bases deleted.
Protein change: p.Pro533del; deletes proline 533.
Molecular consequence: inframe deletion.
Genome position (GRCh38, 1-based): chr6:156,779,277-156,779,279, CCG deleted; deleting any 3 consecutive bases within chr6:156,779,263-156,779,279 gives the same sequence; the position shown is the placement nearest the transcript's 3' end. VCF-style (leftmost placement, unchanged base first): chr6-156779262-GCGC-G. GRCh37 (hg19) VCF-style: chr6-157100396-GCGC-G.
Other names: c.1585CCG[4], p.Pro533del (NM_001371656.1, NM_001374820.1, NM_017519.3); c.1348_1350delCCG (NM_020732.3); short protein forms P533del.
Identifiers: ClinVar variation 3353308 (VCV003353308.2).
Genomic context (GRCh38, chr6:156,779,262, plus strand): 5'-TCGCCCAGCCCCATGATGCGGAGCTACGGCGGCAGCTACCCCGAGTACAGCAGCCCCAGC[GCGC>G]CGCCGCCGCCGCCGTCGCAGCCCCAGTCCCAGGCGGCGGCGGCGGGGGCGGCGGCGGGCG-3'